The following is an entry in ClinVar:

NM_003482.4(KMT2D):c.7970C>T (p.Ala2657Val)

Gene: KMT2D (lysine methyltransferase 2D; minus strand). Cytogenetic location: 12q13.12.
Variant type: single nucleotide variant.
Coding change: c.7970C>T on transcript NM_003482.4 (MANE Select); coding-DNA position 7970, C replaced by T.
Protein change: p.Ala2657Val; replaces alanine 2657 with valine.
Molecular consequence: missense variant.
Genome position (GRCh38, 1-based): chr12:49,039,800, G>A on the plus strand (C>T on the coding strand, the complement: KMT2D is on the minus strand). VCF-style: chr12-49039800-G-A. GRCh37 (hg19) VCF-style: chr12-49433583-G-A.
Other names: short protein forms A2657V.
Identifiers: ClinVar variation 2065476 (VCV002065476.20), dbSNP rs200913080, ClinGen allele CA6546961.
Genomic context (GRCh38, chr12:49,039,800, plus strand): 5'-AGCTCTGTTTGGCTAAGGCCGGACATGCCTGGGTCCTGGGTACCTGGGAGTTCAGCTGTC[G>A]CCAAAGAGCTACCCATTCCAGTCCCTGGGTCTTCTCGCTTTTCGACAGGAGAGGTGATGC-3'
Protein context (NP_003473.3, residues 2647-2667): DPGTGMGSSL[Ala2657Val]TAELPGTQDP

ClinVar aggregate classification (germline): Benign/Likely benign. Review status: criteria provided, multiple submitters, no conflicts (2 of 4 stars). 3 submissions from 3 submitters: Benign (1); Likely benign (2). Last evaluated 2026-01-06.

Conditions:
Kabuki syndrome. Also called: Kabuki make-up syndrome; NIIKAWA-KUROKI SYNDROME. Identifiers: Orphanet 2322, MedGen C0796004, MONDO:0016512.

Allele frequency attached by ClinVar (database versions not stated): ExAC 0.00002; gnomAD 0.00003 and 0.00013; gnomAD exomes 0.00006 and 0.00010; ESP Exome Variant Server 0.00008; TOPMed 0.00015 and 0.00018.
gnomAD v4.1: 174 of 1,613,852 alleles (0.011%); highest among the groups gnomAD compares: Admixed American, 0.04%; no homozygotes.

Submissions (4):

Labcorp Genetics (formerly Invitae), Labcorp
Classification: Benign for Kabuki syndrome. Last evaluated: 2026-01-06. Review status: criteria provided, single submitter. Criteria: Invitae Variant Classification Sherloc (09022015). Collection method: clinical testing. Allele origin: germline.

Blueprint Genetics
Classification: Likely benign. Last evaluated: 2024-11-26. Review status: criteria provided, single submitter. Criteria: ACMG Guidelines, 2015. Collection method: clinical testing. Allele origin: germline.

CeGaT Center for Human Genetics Tuebingen
Classification: Likely benign. Last evaluated: 2024-10-01. Review status: criteria provided, single submitter. Criteria: CeGaT Center For Human Genetics Tuebingen Variant Classification Criteria Version 2. Collection method: clinical testing. Allele origin: germline. Affected: yes. Observed: 1 variant allele.
Comment: KMT2D: BP4, BS2

Dr. Peter K. Rogan Lab, Western University
No classification provided (evidence only). Condition: Clear cell carcinoma of kidney. Review status: no classification provided. Collection method: in vitro. Allele origin: not applicable. Functional consequence: retained intron. Not counted in ClinVar's aggregate classification.